The following is an entry in ClinVar:

ClinVar aggregate classification (germline): Pathogenic (1 of 4 stars; one submission).

Conditions:
Long QT syndrome (LQTS). Identifiers: MedGen C0023976, MeSH D008133, MONDO:0002442. Disease mechanism: loss of function. Inheritance: Various modes of inheritance.

Submission:

Labcorp Genetics (formerly Invitae), Labcorp
Classification: Pathogenic for Long QT syndrome. Last evaluated: 2025-09-23. Review status: criteria provided, single submitter. Criteria: Invitae Variant Classification Sherloc (09022015). Collection method: clinical testing. Allele origin: germline.
Comment: This sequence change creates a premature translational stop signal (p.Thr859Profs*9) in the KCNH2 gene. It is expected to result in an absent or disrupted protein product. Loss-of-function variants in KCNH2 are known to be pathogenic (PMID: 10973849, 19862833). This variant is not present in population databases (gnomAD no frequency). This variant has not been reported in the literature in individuals affected with KCNH2-related conditions. For these reasons, this variant has been classified as Pathogenic.

Literature cited by the submitters: PubMed 10973849; PubMed 19862833.

NM_000238.4(KCNH2):c.2574del (p.Thr859fs)

Gene: KCNH2 (potassium voltage-gated channel subfamily H member 2; minus strand). Cytogenetic location: 7q36.1.
Variant type: Deletion.
Coding change: c.2574del on transcript NM_000238.4 (MANE Select); coding-DNA position 2574, one base deleted (C; older notation c.2574delC).
Protein change: p.Thr859fs; shifts the reading frame from threonine 859.
Molecular consequence: frameshift variant. On other transcripts: non-coding transcript variant (2).
Genome position (GRCh38, 1-based): chr7:150,948,874, G deleted on the plus strand (C on the coding strand, the reverse complement: KCNH2 is on the minus strand). VCF-style (leftmost placement, unchanged base first): chr7-150948873-TG-T. GRCh37 (hg19) VCF-style: chr7-150645961-TG-T.
Other names: c.2286del, p.Thr763fs (NM_001406753.1); c.1554del, p.Thr519fs (NM_172057.3); short protein forms T859fs, T519fs, T763fs.
Identifiers: ClinVar variation 4719590 (VCV004719590.1).